The following is an entry in ClinVar:

NM_024642.5(GALNT12):c.1033A>G (p.Arg345Gly)

Gene: GALNT12 (polypeptide N-acetylgalactosaminyltransferase 12; plus strand). Cytogenetic location: 9q22.33.
Variant type: single nucleotide variant.
Coding change: c.1033A>G on transcript NM_024642.5 (MANE Select); coding-DNA position 1033, A replaced by G.
Protein change: p.Arg345Gly; replaces arginine 345 with glycine.
Molecular consequence: missense variant.
Genome position (GRCh38, 1-based): chr9:98,835,364, A>G. VCF-style: chr9-98835364-A-G. GRCh37 (hg19) VCF-style: chr9-101597646-A-G.
Other names: short protein forms R345G.
Identifiers: ClinVar variation 3227893 (VCV003227893.1), dbSNP rs1836116603, ClinGen allele CA374219568.

ClinVar aggregate classification (germline): Uncertain significance (1 of 4 stars; one submission).

Submission:

Ambry Genetics
Classification: Uncertain significance. Last evaluated: 2023-12-05. Review status: criteria provided, single submitter. Criteria: Ambry Variant Classification Scheme 2023. Collection method: clinical testing. Allele origin: germline.
Comment: The p.R345G variant (also known as c.1033A>G), located in coding exon 5 of the GALNT12 gene, results from an A to G substitution at nucleotide position 1033. The arginine at codon 345 is replaced by glycine, an amino acid with dissimilar properties. This amino acid position is conserved. In addition, this alteration is predicted to be deleterious by in silico analysis. Since supporting evidence is limited at this time, the clinical significance of this alteration remains unclear.